The following is an entry in ClinVar:

ClinVar aggregate classification (germline): Uncertain significance (1 of 4 stars; one submission).

Allele frequency attached by ClinVar (database versions not stated): TOPMed below 0.00001.

Submission:

Labcorp Genetics (formerly Invitae), Labcorp
Classification: Uncertain significance. Last evaluated: 2022-03-12. Review status: criteria provided, single submitter. Criteria: Invitae Variant Classification Sherloc (09022015). Collection method: clinical testing. Allele origin: germline.
Comment: In summary, the available evidence is currently insufficient to determine the role of this variant in disease. Therefore, it has been classified as a Variant of Uncertain Significance. Algorithms developed to predict the effect of missense changes on protein structure and function (SIFT, PolyPhen-2, Align-GVGD) all suggest that this variant is likely to be tolerated. This variant has not been reported in the literature in individuals affected with HTRA2-related conditions. This variant is present in population databases (no rsID available, gnomAD 0.0009%). This sequence change replaces serine, which is neutral and polar, with phenylalanine, which is neutral and non-polar, at codon 351 of the HTRA2 protein (p.Ser351Phe).

NM_013247.5(HTRA2):c.1052C>T (p.Ser351Phe)

Gene: HTRA2 (HtrA serine peptidase 2; plus strand). Cytogenetic location: 2p13.1.
Variant type: single nucleotide variant.
Coding change: c.1052C>T on transcript NM_013247.5 (MANE Select); coding-DNA position 1052, C replaced by T.
Protein change: p.Ser351Phe; replaces serine 351 with phenylalanine.
Molecular consequence: missense variant. On other transcripts: non-coding transcript variant (4).
Genome position (GRCh38, 1-based): chr2:74,531,862, C>T. VCF-style: chr2-74531862-C-T. GRCh37 (hg19) VCF-style: chr2-74758989-C-T.
Other names: c.1082C>T, p.Ser361Phe (NM_001321727.1); c.1052C>T, p.Ser351Phe (NM_001321728.1); c.857C>T, p.Ser286Phe (NM_145074.2); short protein forms S286F, S361F, S351F.
Identifiers: ClinVar variation 2191414 (VCV002191414.4), dbSNP rs757726930, ClinGen allele CA347381446.